The following is an entry in ClinVar:

ClinVar aggregate classification (germline): Pathogenic/Likely pathogenic. Review status: criteria provided, multiple submitters, no conflicts (2 of 4 stars). 3 submissions from 3 submitters: Pathogenic (1); Likely pathogenic (1). 1 of the submissions does not count toward it. Last evaluated 2024-12-23.

Conditions:
POU4F3-related disorder. Also called: POU4F3-related condition.
Autosomal dominant nonsyndromic hearing loss 15 (DFNA15). Also called: DEAFNESS, AUTOSOMAL DOMINANT 52; Autosomal dominant nonsyndromic hearing loss 52. Identifiers: Orphanet 90635, MedGen C1865366, MONDO:0011226, OMIM 602459.

Allele frequency attached by ClinVar (database versions not stated): gnomAD exomes below 0.00001.

Submissions (3):

GeneDx
Classification: Likely pathogenic. Last evaluated: 2024-12-23. Review status: criteria provided, single submitter. Criteria: GeneDx Variant Classification Process June 2021. Collection method: clinical testing. Allele origin: germline.
Comment: Nonsense variant predicted to result in protein truncation, as the last 43 amino acid(s) are lost, and other loss-of-function variants have been reported downstream in HGMD; Not observed at significant frequency in large population cohorts (gnomAD); This variant is associated with the following publications: (PMID: 34387732)

Blueprint Genetics
Classification: Pathogenic for POU4F3-related disorders. Last evaluated: 2022-03-11. Review status: criteria provided, single submitter. Criteria: ACMG Guidelines, 2015. Collection method: clinical testing. Allele origin: germline. Affected: yes. Observed: 4 variant alleles.

Service de Biologie Medicale, CIUSSS du Saguenay-Lac-Saint-Jean
Classification: Pathogenic for Autosomal dominant nonsyndromic hearing loss 15. Last evaluated: 2019-08-26. Review status: no assertion criteria provided. Collection method: clinical testing. Allele origin: paternal. Affected: yes. Observed: 3 variant alleles. Clinical features observed: bilateral hearing loss, sensorineural hearing loss, mild to moderate hearing loss. Not counted in ClinVar's aggregate classification.
Comment: Observed in three individuals from two independant families in the Saguenay-Lac-St-Jean region of QuÃ©bec, Canada.

Literature cited by the submitters: DOI 10.1007/s00439-021-02332-w (cited by Service de Biologie Medicale, CIUSSS du Saguenay-Lac-Saint-Jean).

NM_002700.3(POU4F3):c.886C>T (p.Gln296Ter)

Genes: POU4F3 (POU class 4 homeobox 3; plus strand), RBM27-POU4F3 (RBM27-POU4F3 readthrough; plus strand). Cytogenetic location: 5q32.
Variant type: single nucleotide variant.
Coding change: c.886C>T on transcript NM_002700.3 (MANE Select); coding-DNA position 886, C replaced by T.
Protein change: p.Gln296Ter; replaces glutamine 296 with a stop codon.
Molecular consequence: nonsense.
Genome position (GRCh38, 1-based): chr5:146,340,313, C>T. VCF-style: chr5-146340313-C-T. GRCh37 (hg19) VCF-style: chr5-145719876-C-T.
Other names: short protein forms Q296*.
Identifiers: ClinVar variation 1164004 (VCV001164004.3), dbSNP rs2126961983, ClinGen allele CA361622928.